The following is an entry in ClinVar:

NM_007294.4(BRCA1):c.135-10T>C

Gene: BRCA1 (BRCA1 DNA repair associated; minus strand). Cytogenetic location: 17q21.31.
Variant type: single nucleotide variant.
Coding change: c.135-10T>C on transcript NM_007294.4 (MANE Select); 10 bases into the intron before coding-DNA position 135, T replaced by C.
Molecular consequence: intron variant.
Genome position (GRCh38, 1-based): chr17:43,106,543, A>G on the plus strand (T>C on the coding strand, the complement: BRCA1 is on the minus strand). VCF-style: chr17-43106543-A-G. GRCh37 (hg19) VCF-style: chr17-41258560-A-G.
Other names: c.135-10T>C (NM_001407983.1, NM_001407975.1, NM_001407971.1 and 167 more transcripts); c.-169-1587T>C (NM_001407965.1, NM_001407959.1, NM_001407962.1 and 4 more transcripts); c.-7-10T>C (NM_001407930.1, NM_001407843.1, NM_001408456.1 and 99 more transcripts); c.-54-10T>C (NM_001408482.1, NM_001407954.1, NM_001407896.1 and 58 more transcripts); c.135-1587T>C (NM_001407874.1, NM_001408416.1, NM_001408414.1 and 21 more transcripts); c.-218-11683T>C (NM_001407967.1, NM_001407966.1); c.81-1587T>C (NM_001408451.1).
Identifiers: ClinVar variation 867862 (VCV000867862.8), dbSNP rs1567812492, ClinGen allele CA916080928.

ClinVar aggregate classification (germline): Likely benign. Review status: criteria provided, multiple submitters, no conflicts (2 of 4 stars). 2 submissions from 2 submitters: Likely benign (2). Last evaluated 2025-05-11.

Conditions:
Hereditary breast ovarian cancer syndrome. Also called: Hereditary breast and ovarian cancer; Hereditary breast and ovarian cancer syndrome (HBOC); Breast and ovarian cancer; Hereditary breast and/or ovarian cancer syndrome; BRCA1- and BRCA2-Associated Hereditary Breast and Ovarian Cancer; Hereditary breast and ovarian cancer syndrome. Identifiers: Orphanet 145, MedGen C0677776, MeSH D061325, MONDO:0003582. Disease mechanism: loss of function.
Hereditary cancer-predisposing syndrome. Also called: Neoplastic Syndromes, Hereditary; Tumor predisposition; Hereditary Cancer Syndrome; Hereditary neoplastic syndrome. Identifiers: Orphanet 140162, MedGen C0027672, MeSH D009386, MONDO:0015356.

Submissions (3):

Labcorp Genetics (formerly Invitae), Labcorp
Classification: Likely benign for Hereditary breast ovarian cancer syndrome. Last evaluated: 2025-05-11. Review status: criteria provided, single submitter. Criteria: Invitae Variant Classification Sherloc (09022015). Collection method: clinical testing. Allele origin: germline.

Color Diagnostics, LLC DBA Color Health
Classification: Likely benign for Hereditary cancer-predisposing syndrome. Last evaluated: 2021-02-10. Review status: criteria provided, single submitter. Criteria: ACMG Guidelines, 2015. Collection method: clinical testing. Allele origin: germline.

Brotman Baty Institute, University of Washington
No classification provided (evidence only). Condition: Breast-ovarian cancer, familial 1. Review status: no classification provided. Collection method: in vitro. Allele origin: not applicable. Functional consequence: functionally_normal. Not counted in ClinVar's aggregate classification.
ClinVar note: "not provided" was previously submitted as the classification for the variant. However, the classification appeared to be based only on an observation of functional data so it was converted to no classification on 2025-07-30.